The following is an entry in ClinVar:

ClinVar aggregate classification (germline): Uncertain significance (1 of 4 stars; one submission).

Allele frequency attached by ClinVar (database versions not stated): gnomAD 0.00001; gnomAD exomes 0.00001; ExAC 0.00002; 1000 Genomes Project 30x 0.00016; 1000 Genomes Project 0.00020.
gnomAD v4.1: 12 of 1,614,034 alleles (0.00074%); highest among the groups gnomAD compares: South Asian, 0.012%; no homozygotes.

Submission:

GeneDx
Classification: Uncertain significance. Last evaluated: 2022-08-26. Review status: criteria provided, single submitter. Criteria: GeneDx Variant Classification Process June 2021. Collection method: clinical testing. Allele origin: germline. Affected: yes.
Comment: Not observed at significant frequency in large population cohorts (gnomAD); In silico analysis supports that this missense variant has a deleterious effect on protein structure/function; Has not been previously published as pathogenic or benign to our knowledge

NM_000183.3(HADHB):c.673C>A (p.His225Asn)

Gene: HADHB (hydroxyacyl-CoA dehydrogenase trifunctional multienzyme complex subunit beta; plus strand). Cytogenetic location: 2p23.3.
Variant type: single nucleotide variant.
Coding change: c.673C>A on transcript NM_000183.3 (MANE Select); coding-DNA position 673, C replaced by A.
Protein change: p.His225Asn; replaces histidine 225 with asparagine.
Molecular consequence: missense variant.
Genome position (GRCh38, 1-based): chr2:26,279,177, C>A. VCF-style: chr2-26279177-C-A. GRCh37 (hg19) VCF-style: chr2-26502045-C-A.
Other names: c.628C>A, p.His210Asn (NM_001281512.2); c.607C>A, p.His203Asn (NM_001281513.2); short protein forms H203N, H210N, H225N.
Identifiers: ClinVar variation 2430804 (VCV002430804.1), dbSNP rs540636162, ClinGen allele CA1560312.